The following is an entry in ClinVar:

ClinVar aggregate classification (germline): Pathogenic (1 of 4 stars; one submission).

Conditions:
Polycystic kidney disease, adult type (PKD1). Also called: POLYCYSTIC KIDNEY DISEASE, ADULT, TYPE I; Polycystic Kidney Disease 1, Autosomal Dominant; Polycystic kidney disease 1; Polycystic kidney disease 1, severe; POLYCYSTIC KIDNEY DISEASE 1 WITH OR WITHOUT POLYCYSTIC LIVER DISEASE; Polycystic Kidney, Autosomal Dominant. Identifiers: MedGen C3149841, MONDO:0008263, OMIM 173900.

Submission:

MVZ Medizinische Genetik Mainz
Classification: Pathogenic for Polycystic kidney disease, adult type. Last evaluated: 2025-08-11. Review status: criteria provided, single submitter. Criteria: UK Practice Guidelines For Variant Classification V4 01 2020. Collection method: clinical testing. Allele origin: germline. Inheritance: Autosomal dominant inheritance. Affected: yes. Observed: 1 variant allele.
Comment: ACMG Criteria: PVS1,PM2_SUP,PP4

NM_001009944.3(PKD1):c.1167_1168del (p.Tyr389_Ser390delinsTer)

Gene: PKD1 (polycystin 1, transient receptor potential channel interacting; minus strand). Cytogenetic location: 16p13.3.
Variant type: Deletion.
Coding change: c.1167_1168del on transcript NM_001009944.3 (MANE Select); coding-DNA positions 1167 to 1168, 2 bases deleted (CA; older notation c.1167_1168delCA).
Protein change: p.Tyr389_Ser390delinsTer.
Molecular consequence: nonsense.
Genome position (GRCh38, 1-based): chr16:2,117,824-2,117,825, TG deleted on the plus strand (CA on the coding strand, the reverse complement: PKD1 is on the minus strand); deleting any 2 consecutive bases within chr16:2,117,824-2,117,826 gives the same sequence; the c. name uses the placement nearest the transcript's 3' end. VCF-style (leftmost placement, unchanged base first): chr16-2117823-CTG-C. GRCh37 (hg19) VCF-style: chr16-2167824-CTG-C.
Other names: c.1167_1168del, p.Tyr389_Ser390delinsTer (NM_000296.4).
Identifiers: ClinVar variation 4077083 (VCV004077083.1).
Genomic context (GRCh38, chr16:2,117,823, plus strand): 5'-GGAAGGGGAGTGGGCAGCAGACACTCACCTCGGGCCGGCTCCTCGCCCAGGGCCACGATG[CTG>C]TAGGCGGCCTCCAGGCCTGAACCACCGCGGTTCTGGATGCTGAGGTCGAGGCTCTCGTCA-3'